The following is an entry in ClinVar:

ClinVar aggregate classification (germline): Pathogenic (1 of 4 stars; one submission).

Conditions:
XPO1-associated Neurodevelopmental Disorder.

Submission:

Genome Diagnostics Laboratory, University Medical Center Utrecht
Classification: Pathogenic for XPO1-associated Neurodevelopmental Disorder. Last evaluated: 2025-07-21. Review status: criteria provided, single submitter. Criteria: ACMG Guidelines, 2015. Collection method: research. Allele origin: germline. Affected: yes.
Comment: ACMG/AMP (Richards et al, 2015): PS2, PM2, PP2, PP3

NM_003400.4(XPO1):c.2738G>T (p.Ser913Ile)

Genes: USP34-DT (USP34 divergent transcript; plus strand), XPO1 (exportin 1; minus strand). Cytogenetic location: 2p15.
Variant type: single nucleotide variant.
Coding change: c.2738G>T on transcript NM_003400.4 (MANE Select); coding-DNA position 2738, G replaced by T.
Protein change: p.Ser913Ile; replaces serine 913 with isoleucine.
Molecular consequence: missense variant. On other transcripts: non-coding transcript variant (1).
Genome position (GRCh38, 1-based): chr2:61,483,031, C>A on the plus strand (G>T on the coding strand, the complement: XPO1 is on the minus strand). VCF-style: chr2-61483031-C-A. GRCh37 (hg19) VCF-style: chr2-61710166-C-A.
Other names: c.2603G>T, p.Ser868Ile (NM_001410799.1); short protein forms S868I, S913I.
Identifiers: ClinVar variation 4073407 (VCV004073407.1).